The following is an entry in ClinVar:

ClinVar aggregate classification (germline): Likely benign. Review status: criteria provided, multiple submitters, no conflicts (2 of 4 stars). 2 submissions from 2 submitters: Likely benign (2). Last evaluated 2024-07-01.

Conditions:
Inborn genetic diseases. Identifiers: MedGen C0950123, MeSH D030342.

Allele frequency attached by ClinVar (database versions not stated): ExAC 0.00025; TOPMed 0.00028; gnomAD 0.00029; ESP Exome Variant Server 0.00040; gnomAD exomes 0.00041.
gnomAD v4.1: 650 of 1,611,520 alleles (0.04%); highest among the groups gnomAD compares: Non-Finnish European, 0.05%; no homozygotes.

Submissions (2):

CeGaT Center for Human Genetics Tuebingen
Classification: Likely benign. Last evaluated: 2024-07-01. Review status: criteria provided, single submitter. Criteria: CeGaT Center For Human Genetics Tuebingen Variant Classification Criteria Version 2. Collection method: clinical testing. Allele origin: germline. Affected: yes. Observed: 1 variant allele.
Comment: ZNF292: BP4

Ambry Genetics
Classification: Likely benign for Inborn genetic diseases. Last evaluated: 2021-05-19. Review status: criteria provided, single submitter. Criteria: Ambry Variant Classification Scheme 2023. Collection method: clinical testing. Allele origin: germline.

NM_015021.3(ZNF292):c.4577C>T (p.Thr1526Met)

Gene: ZNF292 (zinc finger protein 292; plus strand). Cytogenetic location: 6q14.3.
Variant type: single nucleotide variant.
Coding change: c.4577C>T on transcript NM_015021.3 (MANE Select); coding-DNA position 4577, C replaced by T.
Protein change: p.Thr1526Met; replaces threonine 1526 with methionine.
Molecular consequence: missense variant.
Genome position (GRCh38, 1-based): chr6:87,258,206, C>T. VCF-style: chr6-87258206-C-T. GRCh37 (hg19) VCF-style: chr6-87967924-C-T.
Other names: c.4157C>T, p.Thr1386Met (NM_001351444.2); short protein forms T1386M, T1526M.
Identifiers: ClinVar variation 2280927 (VCV002280927.19), dbSNP rs200259538, ClinGen allele CA3914328.
Genomic context (GRCh38, chr6:87,258,206, plus strand): 5'-CCGAAATGCTTTCTCATGTTTCAACAGGTTGTGTCTCTGATGCATCACAAGTAAATGCAA[C>T]GGTGATGCCAAATCCAACTGTACCACCCCTGTTGCACACTGTATGCCATCCAAACACCTT-3'
Protein context (NP_055836.1, residues 1516-1536): CVSDASQVNA[Thr1526Met]VMPNPTVPPL